The following is an entry in ClinVar:

ClinVar aggregate classification (germline): Uncertain significance (1 of 4 stars; one submission).

Conditions:
Holt-Oram syndrome (HOS). Also called: TBX5-Related Holt-Oram Syndrome; Ventriculo-radial syndrome; Cardiac-limb syndrome; Heart-hand syndrome, type 1. Identifiers: Orphanet 392, MedGen C0265264, MONDO:0007732, OMIM 142900.

Allele frequency attached by ClinVar (database versions not stated): ExAC 0.00001.
gnomAD v4.1: 1 of 1,613,988 alleles (0.000062%); highest among the groups gnomAD compares: Non-Finnish European, 0.000085%; no homozygotes.

Submission:

Molecular Genetics, Royal Melbourne Hospital
Classification: Uncertain significance for Holt-Oram syndrome. Last evaluated: 2023-11-05. Review status: criteria provided, single submitter. Criteria: ACMG Guidelines, 2015. Collection method: clinical testing. Allele origin: germline. Inheritance: Autosomal dominant inheritance.
Comment: This sequence change in TBX5 is predicted to replace alanine with valine at codon 188, p.(Ala188Val). The alanine residue is highly conserved (100 vertebrates, UCSC), and is located in the DNA-binding Tbox domain in a region, amino acids 146-204, that is highly intolerant to missense variation (PMID: 31116477). There is a moderate physicochemical difference between alanine and valine. This variant is present in a single European (non-Finnish) individual from the population database gnomAD v2.1 (1/113,762 alleles). To our knowledge, this variant has not been previously reported in the relevant scientific literature. It has been reported as a variant of uncertain significance (LOVD). Computational evidence is uninformative for the missense substitution (REVEL = 0.639). Based on the classification scheme RMH Modified ACMG/AMP Guidelines v1.6.1, this variant is classified as a VARIANT OF UNCERTAIN SIGNIFICANCE. Following criteria are met: PM1, PM2_Supporting.

Literature cited by the submitters: PubMed 31116477.

NM_181486.4(TBX5):c.563C>T (p.Ala188Val)

Gene: TBX5 (T-box transcription factor 5; minus strand). Cytogenetic location: 12q24.21.
Variant type: single nucleotide variant.
Coding change: c.563C>T on transcript NM_181486.4 (MANE Select); coding-DNA position 563, C replaced by T.
Protein change: p.Ala188Val; replaces alanine 188 with valine.
Molecular consequence: missense variant.
Genome position (GRCh38, 1-based): chr12:114,394,841, G>A on the plus strand (C>T on the coding strand, the complement: TBX5 is on the minus strand). VCF-style: chr12-114394841-G-A. GRCh37 (hg19) VCF-style: chr12-114832646-G-A.
Other names: c.563C>T, p.Ala188Val (NM_000192.3); c.413C>T, p.Ala138Val (NM_080717.4); short protein forms A138V, A188V.
Identifiers: ClinVar variation 3068626 (VCV003068626.1), dbSNP rs758079210, ClinGen allele CA6809579.